The following is an entry in ClinVar:

NM_000350.3(ABCA4):c.6178C>G (p.Leu2060Val)

Gene: ABCA4 (ATP binding cassette subfamily A member 4; minus strand). Cytogenetic location: 1p22.1.
Variant type: single nucleotide variant.
Coding change: c.6178C>G on transcript NM_000350.3 (MANE Select); coding-DNA position 6178, C replaced by G.
Protein change: p.Leu2060Val; replaces leucine 2060 with valine.
Molecular consequence: missense variant.
Genome position (GRCh38, 1-based): chr1:94,001,962, G>C on the plus strand (C>G on the coding strand, the complement: ABCA4 is on the minus strand). VCF-style: chr1-94001962-G-C. GRCh37 (hg19) VCF-style: chr1-94467518-G-C.
Other names: c.5956C>G, p.Leu1986Val (NM_001425324.1); short protein forms L2060V, L1986V.
Identifiers: ClinVar variation 2017728 (VCV002017728.4), dbSNP rs2523628298, ClinGen allele CA341278332.
Genomic context (GRCh38, chr1:94,001,962, plus strand): 5'-AGAGTTTCCGCTTGTTGCCCCCACTGTACGTGCCAGCCAGGCAGTCGGCGTAGACAGTCA[G>C]GCCCAGGCTCTTAATACTCCAGTTTGCAACCTAGGGAAGAGAAAGAAATGCCATTTGGAG-3'
Protein context (NP_000341.2, residues 2050-2070): VANWSIKSLG[Leu2060Val]TVYADCLAGT

ClinVar aggregate classification (germline): Likely pathogenic (1 of 4 stars; one submission).

Submission:

Labcorp Genetics (formerly Invitae), Labcorp
Classification: Likely pathogenic. Last evaluated: 2022-07-16. Review status: criteria provided, single submitter. Criteria: Invitae Variant Classification Sherloc (09022015). Collection method: clinical testing. Allele origin: germline.
Comment: This variant disrupts the p.Leu2060 amino acid residue in ABCA4. Other variant(s) that disrupt this residue have been determined to be pathogenic (PMID: 11385708, 23755871, 27596865). This suggests that this residue is clinically significant, and that variants that disrupt this residue are likely to be disease-causing. This variant has not been reported in the literature in individuals affected with ABCA4-related conditions. Advanced modeling of protein sequence and biophysical properties (such as structural, functional, and spatial information, amino acid conservation, physicochemical variation, residue mobility, and thermodynamic stability) performed at Invitae indicates that this missense variant is expected to disrupt ABCA4 protein function. In summary, the currently available evidence indicates that the variant is pathogenic, but additional data are needed to prove that conclusively. Therefore, this variant has been classified as Likely Pathogenic. This variant is not present in population databases (gnomAD no frequency). This sequence change replaces leucine, which is neutral and non-polar, with valine, which is neutral and non-polar, at codon 2060 of the ABCA4 protein (p.Leu2060Val).

Literature cited by the submitters: PubMed 11385708; PubMed 23755871; PubMed 27596865.